The following is an entry in ClinVar:

ClinVar aggregate classification (germline): Uncertain significance. Review status: criteria provided, multiple submitters, no conflicts (2 of 4 stars). 4 submissions from 4 submitters: Uncertain significance (3). 1 of the submissions does not count toward it. Last evaluated 2025-03-10.

Conditions:
Inborn genetic diseases. Identifiers: MedGen C0950123, MeSH D030342.
CEACAM16-related disorder. Also called: CEACAM16-related condition.

Allele frequency attached by ClinVar (database versions not stated): ExAC 0.00004; gnomAD exomes 0.00004; gnomAD 0.00011; 1000 Genomes Project 30x 0.00016; TOPMed 0.00017; 1000 Genomes Project 0.00020.
gnomAD v4.1: 106 of 1,602,714 alleles (0.0066%); highest among the groups gnomAD compares: Admixed American, 0.025%; no homozygotes.

Submissions (4):

Labcorp Genetics (formerly Invitae), Labcorp
Classification: Uncertain significance. Last evaluated: 2025-03-10. Review status: criteria provided, single submitter. Criteria: Invitae Variant Classification Sherloc (09022015). Collection method: clinical testing. Allele origin: germline.
Comment: This sequence change replaces arginine, which is basic and polar, with histidine, which is basic and polar, at codon 225 of the CEACAM16 protein (p.Arg225His). This variant is present in population databases (rs147318053, gnomAD 0.01%). This variant has not been reported in the literature in individuals affected with CEACAM16-related conditions. ClinVar contains an entry for this variant (Variation ID: 1435099). Invitae Evidence Modeling of protein sequence and biophysical properties (such as structural, functional, and spatial information, amino acid conservation, physicochemical variation, residue mobility, and thermodynamic stability) indicates that this missense variant is not expected to disrupt CEACAM16 protein function with a negative predictive value of 80%. In summary, the available evidence is currently insufficient to determine the role of this variant in disease. Therefore, it has been classified as a Variant of Uncertain Significance.

Women's Health and Genetics/Laboratory Corporation of America, LabCorp
Classification: Uncertain significance. Last evaluated: 2025-03-03. Review status: criteria provided, single submitter. Criteria: LabCorp Variant Classification Summary - May 2015. Collection method: clinical testing. Allele origin: germline.
Comment: Variant summary: CEACAM16 c.674G>A (p.Arg225His) results in a non-conservative amino acid change in the encoded protein sequence. Three of four in-silico tools predict a benign effect of the variant on protein function. The variant allele was found at a frequency of 4.5e-05 in 244860 control chromosomes. This frequency is not significantly higher than estimated for a pathogenic variant in CEACAM16 causing Autosomal Dominant Nonsyndromic Hearing Loss 4B, allowing no conclusion about variant significance. To our knowledge, no occurrence of c.674G>A in individuals affected with Autosomal Dominant Nonsyndromic Hearing Loss 4B and no experimental evidence demonstrating its impact on protein function have been reported. ClinVar contains an entry for this variant (Variation ID: 1435099). Based on the evidence outlined above, the variant was classified as uncertain significance.

Ambry Genetics
Classification: Uncertain significance for Inborn genetic diseases. Last evaluated: 2022-04-12. Review status: criteria provided, single submitter. Criteria: Ambry Variant Classification Scheme 2023. Collection method: clinical testing. Allele origin: germline.

PreventionGenetics, part of Exact Sciences
Classification: Uncertain significance for CEACAM16-related condition. Last evaluated: 2024-04-04. Review status: no assertion criteria provided. Collection method: clinical testing. Allele origin: germline. Not counted in ClinVar's aggregate classification.
Comment: The CEACAM16 c.674G>A variant is predicted to result in the amino acid substitution p.Arg225His. To our knowledge, this variant has not been reported in the literature. This variant is reported in 0.010% of alleles in individuals of South Asian descent in gnomAD. At this time, the clinical significance of this variant is uncertain due to the absence of conclusive functional and genetic evidence.

NM_001039213.4(CEACAM16):c.674G>A (p.Arg225His)

Genes: CEACAM16 (CEA cell adhesion molecule 16, tectorial membrane component; plus strand), CEACAM16-AS1 (CEACAM16, CEACAM19 and PVR antisense RNA 1; minus strand). Cytogenetic location: 19q13.32.
Variant type: single nucleotide variant.
Coding change: c.674G>A on transcript NM_001039213.4 (MANE Select); coding-DNA position 674, G replaced by A.
Protein change: p.Arg225His; replaces arginine 225 with histidine.
Molecular consequence: missense variant.
Genome position (GRCh38, 1-based): chr19:44,705,602, G>A. VCF-style: chr19-44705602-G-A. GRCh37 (hg19) VCF-style: chr19-45208872-G-A.
Other names: c.674G>A (NM_001039213.2, NM_001039213.3); short protein forms R225H.
Identifiers: ClinVar variation 1435099 (VCV001435099.11), dbSNP rs147318053, ClinGen allele CA9503124.